The following is an entry in ClinVar:

ClinVar aggregate classification (germline): Pathogenic (1 of 4 stars; one submission).

Conditions:
Epilepsy. Also called: Seizure disorder. Identifiers: MedGen C0014544, MeSH D004827, MONDO:0005027.

Allele frequency attached by ClinVar (database versions not stated): gnomAD exomes below 0.00001.

Submission:

Labcorp Genetics (formerly Invitae), Labcorp
Classification: Pathogenic for Epilepsy. Last evaluated: 2024-04-10. Review status: criteria provided, single submitter. Criteria: Invitae Variant Classification Sherloc (09022015). Collection method: clinical testing. Allele origin: germline.
Comment: This sequence change creates a premature translational stop signal (p.Ala86Cysfs*6) in the PIGQ gene. It is expected to result in an absent or disrupted protein product. Loss-of-function variants in PIGQ are known to be pathogenic (PMID: 24463883, 25558065). This variant is not present in population databases (gnomAD no frequency). This variant has not been reported in the literature in individuals affected with PIGQ-related conditions. For these reasons, this variant has been classified as Pathogenic.

Literature cited by the submitters: PubMed 24463883; PubMed 25558065.

NM_004204.5(PIGQ):c.255dup (p.Ala86fs)

Gene: PIGQ (phosphatidylinositol glycan anchor biosynthesis class Q; plus strand). Cytogenetic location: 16p13.3.
Variant type: Duplication.
Coding change: c.255dup on transcript NM_004204.5 (MANE Select); coding-DNA position 255, one base duplicated (T; older notation c.255dupT).
Protein change: p.Ala86fs; shifts the reading frame from alanine 86.
Molecular consequence: frameshift variant.
Genome position (GRCh38, 1-based): chr16:574,329, T duplicated. VCF-style (leftmost placement, unchanged base first): chr16-574328-G-GT. GRCh37 (hg19) VCF-style: chr16-624328-G-GT.
Other names: c.255dup, p.Ala86fs (NM_148920.4); short protein forms A86fs.
Identifiers: ClinVar variation 3008372 (VCV003008372.3), dbSNP rs2505931142, ClinGen allele CA2630812587.